The following is an entry in ClinVar:

ClinVar aggregate classification (germline): Uncertain significance. Review status: criteria provided, multiple submitters, no conflicts (2 of 4 stars). 2 submissions from 2 submitters: Uncertain significance (2). Last evaluated 2025-07-19.

Conditions:
Hereditary cancer-predisposing syndrome. Also called: Neoplastic Syndromes, Hereditary; Hereditary Cancer Syndrome; Tumor predisposition; Hereditary neoplastic syndrome. Identifiers: Orphanet 140162, MedGen C0027672, MeSH D009386, MONDO:0015356.
Familial meningioma. Also called: Meningioma, familial, susceptibility to. Identifiers: Orphanet 263662, MedGen C3551915, MONDO:0011789, OMIM 607174.

Submissions (2):

Ambry Genetics
Classification: Uncertain significance for Hereditary cancer-predisposing syndrome. Last evaluated: 2025-07-19. Review status: criteria provided, single submitter. Criteria: Ambry Variant Classification Scheme 2023. Collection method: clinical testing. Allele origin: germline.
Comment: The p.R303S variant (also known as c.909G>C), located in coding exon 9 of the SMARCE1 gene, results from a G to C substitution at nucleotide position 909. The arginine at codon 303 is replaced by serine, an amino acid with dissimilar properties. This amino acid position is conserved. In addition, the in silico prediction for this alteration is inconclusive. Based on the available evidence, the clinical significance of this variant remains unclear.

Labcorp Genetics (formerly Invitae), Labcorp
Classification: Uncertain significance for Familial meningioma. Last evaluated: 2022-02-20. Review status: criteria provided, single submitter. Criteria: Invitae Variant Classification Sherloc (09022015). Collection method: clinical testing. Allele origin: germline.
Comment: ClinVar contains an entry for this variant (Variation ID: 853251). This variant has not been reported in the literature in individuals affected with SMARCE1-related conditions. This variant is not present in population databases (gnomAD no frequency). This sequence change replaces arginine, which is basic and polar, with serine, which is neutral and polar, at codon 303 of the SMARCE1 protein (p.Arg303Ser). Algorithms developed to predict the effect of missense changes on protein structure and function are either unavailable or do not agree on the potential impact of this missense change (SIFT: "Tolerated"; PolyPhen-2: "Possibly Damaging"; Align-GVGD: "Class C0"). In summary, the available evidence is currently insufficient to determine the role of this variant in disease. Therefore, it has been classified as a Variant of Uncertain Significance.

NM_003079.5(SMARCE1):c.909G>C (p.Arg303Ser)

Gene: SMARCE1 (SWI/SNF related BAF chromatin remodeling complex subunit E1; minus strand). Cytogenetic location: 17q21.2.
Variant type: single nucleotide variant.
Coding change: c.909G>C on transcript NM_003079.5 (MANE Select); coding-DNA position 909, G replaced by C.
Protein change: p.Arg303Ser; replaces arginine 303 with serine.
Molecular consequence: missense variant.
Genome position (GRCh38, 1-based): chr17:40,630,832, C>G on the plus strand (G>C on the coding strand, the complement: SMARCE1 is on the minus strand). VCF-style: chr17-40630832-C-G. GRCh37 (hg19) VCF-style: chr17-38787084-C-G.
Other names: short protein forms R303S.
Identifiers: ClinVar variation 853251 (VCV000853251.10), dbSNP rs2037086696, ClinGen allele CA399363695.